The following is an entry in ClinVar:

NM_002775.5(HTRA1):c.854C>T (p.Pro285Leu)

Gene: HTRA1 (HtrA serine peptidase 1; plus strand). Cytogenetic location: 10q26.13.
Variant type: single nucleotide variant.
Coding change: c.854C>T on transcript NM_002775.5 (MANE Select); coding-DNA position 854, C replaced by T.
Protein change: p.Pro285Leu; replaces proline 285 with leucine.
Molecular consequence: missense variant.
Genome position (GRCh38, 1-based): chr10:122,506,767, C>T. VCF-style: chr10-122506767-C-T. GRCh37 (hg19) VCF-style: chr10-124266283-C-T.
Other names: short protein forms P285L.
Identifiers: ClinVar variation 156100 (VCV000156100.49), dbSNP rs587776446, ClinGen allele CA345925.
Genomic context (GRCh38, chr10:122,506,767, plus strand): 5'-TGCTGCTTGGCCGCTCCTCAGAGCTGCGGCCGGGAGAGTTCGTGGTCGCCATCGGAAGCC[C>T]GTTTTCCCTTCAAAACACAGTCACCACCGGGATCGTGAGCACCACCCAGCGAGGCGGCAA-3'
Protein context (NP_002766.1, residues 275-295): PGEFVVAIGS[Pro285Leu]FSLQNTVTTG

ClinVar aggregate classification (germline): Conflicting classifications of pathogenicity. Review status: criteria provided, conflicting classifications (1 of 4 stars). 8 submissions from 8 submitters: Pathogenic (6); Uncertain significance (1). 1 of the submissions does not count toward it. Last evaluated 2025-11-12.

Conditions:
HTRA1-related disorder. Also called: HTRA1-related condition.
HTRA1-related cerebral small vessel disease. Also called: HTRA1 Cerebral Small Vessel Disease (HTRA1-CSVD). Identifiers: Orphanet 482072, MedGen C5680099, MONDO:0018831.
Cerebral arteriopathy, autosomal dominant, with subcortical infarcts and leukoencephalopathy, type 2 (CADASIL2). Identifiers: MedGen C4225211, MONDO:0014768, OMIM 616779.
Cerebral arteriopathy, autosomal recessive, with subcortical infarcts and leukoencephalopathy 2. Also called: CARASIL syndrome; CEREBROVASCULAR DISEASE WITH THIN SKIN, ALOPECIA, AND DISC DISEASE; MAEDA SYNDROME; SUBCORTICAL VASCULAR ENCEPHALOPATHY, PROGRESSIVE; Cerebral autosomal recessive arteriopathy with subcortical infarcts and leukoencephalopathy. Identifiers: Orphanet 199354, MedGen C6022615, MONDO:0010829, OMIM 600142.

Allele frequency attached by ClinVar (database versions not stated): gnomAD exomes below 0.00001; TOPMed below 0.00001.
gnomAD v4.1: 1 of 1,613,922 alleles (0.000062%); highest among the groups gnomAD compares: East Asian, 0.0022%; no homozygotes.

Submissions 1 to 4 of 8:

PreventionGenetics, part of Exact Sciences
Classification: Pathogenic for HTRA1-related condition. Last evaluated: 2025-11-12. Review status: criteria provided, single submitter. Criteria: ACMG Guidelines, 2015. Collection method: clinical testing. Allele origin: germline.
Comment: The HTRA1 c.854C>T variant is predicted to result in the amino acid substitution p.Pro285Leu. This variant has been reported in the heterozygous state in multiple individuals with cerebral small vessel disease (see for examples: Nozaki et al. 2016. PubMed ID: 27164673; Chen et al. 2022. PubMed ID: 36035189; He et al. 2022. PubMed ID: 36253578; Table S3, Uemura et al. 2022. PubMed ID: 36261288; Table S5, Wu et al. 2023. PubMed ID: 36380532). This variant has also been reported in the homozygous state in one individual with a diagnosis of CARASIL; the parents were confirmed heterozygous carriers and displayed moderate to no symptoms (Chen et al. 2013. PubMed ID: 23963851). In vitro functional studies demonstrate that expression of this variant consistently decreases proteosome activity (Nozaki et al. 2016. PubMed ID: 27164673; Zhang et al. 2022. PubMed ID: 36047879). This variant is reported in one individual (0.0054% of alleles) of East Asian descent in gnomAD. An alternate missense change impacting the same amino acid (p.Pro285Gln) has been reported in an individual with small vessel disease and was demonstrated in vitro to impact proteolytic activity (Verdura et al. 2015. PubMed ID: 26063658). This variant is interpreted as pathogenic.

Labcorp Genetics (formerly Invitae), Labcorp
Classification: Pathogenic. Last evaluated: 2025-05-27. Review status: criteria provided, single submitter. Criteria: Invitae Variant Classification Sherloc (09022015). Collection method: clinical testing. Allele origin: germline.
Comment: This sequence change replaces proline, which is neutral and non-polar, with leucine, which is neutral and non-polar, at codon 285 of the HTRA1 protein (p.Pro285Leu). This variant is present in population databases (no rsID available, gnomAD 0.006%). This missense change has been observed in individuals with clinical features of HTRA1-related conditions (PMID: 23963851, 27164673, 27353043, 36253578; internal data). It has also been observed to segregate with disease in related individuals. ClinVar contains an entry for this variant (Variation ID: 156100). Invitae Evidence Modeling of protein sequence and biophysical properties (such as structural, functional, and spatial information, amino acid conservation, physicochemical variation, residue mobility, and thermodynamic stability) indicates that this missense variant is expected to disrupt HTRA1 protein function with a positive predictive value of 95%. Experimental studies have shown that this missense change affects HTRA1 function (PMID: 27164673). This variant disrupts the p.Pro285 amino acid residue in HTRA1. Other variant(s) that disrupt this residue have been observed in individuals with HTRA1-related conditions (PMID: 26063658), which suggests that this may be a clinically significant amino acid residue. For these reasons, this variant has been classified as Pathogenic.

Clinical Genomics Laboratory, Washington University in St. Louis
Classification: Pathogenic for Cerebral arteriopathy, autosomal dominant, with subcortical infarcts and leukoencephalopathy, type 2; Cerebral arteriopathy, autosomal recessive, with subcortical infarcts and leukoencephalopathy 2. Last evaluated: 2025-05-15. Review status: criteria provided, single submitter. Criteria: ACMG Guidelines, 2015. Collection method: clinical testing. Allele origin: germline. Affected: yes.
Comment: The HTRA1 c.854C>T (p.Pro285Leu) variant has been reported in at least eight individuals affected with autosomal dominant HTRA1-related cerebral small vessel disease and is reported to segregate with the disease in five individuals in one family (Chen Y et al., PMID: 23963851; Fokstuen S et al., PMID: 27353043; He Z et al., PMID: 36253578; Nozaki H et al., PMID: 27164673; Uemura M et al., PMID: 36261288; Wu C et al., PMID: 36380532; Zhang C et al., PMID: 36047879). This variant has also been reported in the literature in the homozygous state in an individual affected with HTRA1-related cerebral small vessel disease, whose parents were heterozygous for the variant. The father reportedly had moderate symptoms, including multiple lacunar infarcts and diffuse leukoencephalopathy (Chen Y et al., PMID: 23963851). This variant has been reported in the ClinVar database as a germline pathogenic variant by two submitters and as a likely pathogenic variant by one submitter. It is observed in only 1/251,248 alleles in the general population (gnomAD v.2.1.1), indicating that it is not a common variant. Computational predictors indicate that the variant is damaging, providing evidence consistent with an impact on HTRA1 function. Based on available information and the ACMG/AMP guidelines for variant interpretation (Richards S et al., PMID: 25741868), this variant is classified as pathogenic.

Victorian Clinical Genetics Services, Murdoch Childrens Research Institute
Classification: Pathogenic for Cerebral arteriopathy, autosomal dominant, with subcortical infarcts and leukoencephalopathy, type 2. Last evaluated: 2024-11-11. Review status: criteria provided, single submitter. Criteria: ACMG Guidelines, 2015. Collection method: clinical testing. Allele origin: germline. Affected: yes.
Comment: This variant is classified as Pathogenic. Evidence in support of pathogenic classification: Variant is present in gnomAD <0.01 (v4: 1 heterozygote(s), 0 homozygote(s)); This variant has strong previous evidence of pathogenicity in unrelated individuals. This variant has been classified as likely pathogenic/pathogenic by multiple clinical testing laboratories, and as a VUS by one clinical laboratory (ClinVar). It has been reported in a heterozygous state in at least five unrelated individuals with cerebral small vessel disease (PMIDs: 36261288, 36253578, 36035189, 27164673). This variant has limited evidence for segregation with disease. This variant has been reported in a heterozygous state in five affected individuals from a multi-generational family with multiple lacunar infarcts (PMID: 36253578); Missense variant consistently predicted to be damaging by in silico tool or highly conserved with a major amino acid change. Additional information: Variant is predicted to result in a missense amino acid change from proline to leucine; This variant is heterozygous; This gene is associated with both recessive and dominant disease. There is no clear correlation between genotype and mode of inheritance, with several variants reported to cause both forms of disease (PMIDs: 31316458, 32719647); Dominant negative and loss of function are known mechanisms of disease in this gene, and are associated with CARASIL syndrome (MIM#600142) as well as cerebral arteriopathy with subcortical infarcts and leukoencephalopathy, type 2 (MIM#616779) (PMIDs: 29895533, 19387015); Inheritance information for this variant is not currently available in this individual.